The following is an entry in ClinVar:

NM_002439.5(MSH3):c.2398G>T (p.Val800Phe)

Gene: MSH3 (mutS homolog 3; plus strand). Cytogenetic location: 5q14.1.
Variant type: single nucleotide variant.
Coding change: c.2398G>T on transcript NM_002439.5 (MANE Select); coding-DNA position 2398, G replaced by T.
Protein change: p.Val800Phe; replaces valine 800 with phenylalanine.
Molecular consequence: missense variant.
Genome position (GRCh38, 1-based): chr5:80,778,799, G>T. VCF-style: chr5-80778799-G-T. GRCh37 (hg19) VCF-style: chr5-80074618-G-T.
Other names: c.2398G>T (NM_002439.3); short protein forms V800F.
Identifiers: ClinVar variation 1494890 (VCV001494890.5), dbSNP rs2112007912, ClinGen allele CA360281861.

ClinVar aggregate classification (germline): Uncertain significance. Review status: criteria provided, multiple submitters, no conflicts (2 of 4 stars). 2 submissions from 2 submitters: Uncertain significance (2). Last evaluated 2025-04-04.

Conditions:
Hereditary cancer-predisposing syndrome. Also called: Tumor predisposition; Hereditary neoplastic syndrome; Neoplastic Syndromes, Hereditary; Hereditary Cancer Syndrome. Identifiers: Orphanet 140162, MedGen C0027672, MeSH D009386, MONDO:0015356.

Submissions (2):

Ambry Genetics
Classification: Uncertain significance for Hereditary cancer-predisposing syndrome. Last evaluated: 2025-04-04. Review status: criteria provided, single submitter. Criteria: Ambry Variant Classification Scheme 2023. Collection method: clinical testing. Allele origin: germline.
Comment: The p.V800F variant (also known as c.2398G>T), located in coding exon 17 of the MSH3 gene, results from a G to T substitution at nucleotide position 2398. The valine at codon 800 is replaced by phenylalanine, an amino acid with highly similar properties. This amino acid position is conserved. In addition, the in silico prediction for this alteration is inconclusive. Based on the available evidence, the clinical significance of this variant remains unclear.

Labcorp Genetics (formerly Invitae), Labcorp
Classification: Uncertain significance. Last evaluated: 2023-08-14. Review status: criteria provided, single submitter. Criteria: Invitae Variant Classification Sherloc (09022015). Collection method: clinical testing. Allele origin: germline.
Comment: This sequence change replaces valine, which is neutral and non-polar, with phenylalanine, which is neutral and non-polar, at codon 800 of the MSH3 protein (p.Val800Phe). In summary, the available evidence is currently insufficient to determine the role of this variant in disease. Therefore, it has been classified as a Variant of Uncertain Significance. An algorithm developed to predict the effect of missense changes on protein structure and function (PolyPhen-2) suggests that this variant is likely to be disruptive. ClinVar contains an entry for this variant (Variation ID: 1494890). This variant has not been reported in the literature in individuals affected with MSH3-related conditions. This variant is not present in population databases (gnomAD no frequency).